The following is an entry in ClinVar:

NM_006118.4(HAX1):c.514G>A (p.Val172Ile)

Gene: HAX1 (HCLS1 associated protein X-1; plus strand). Cytogenetic location: 1q21.3.
Variant type: single nucleotide variant.
Coding change: c.514G>A on transcript NM_006118.4 (MANE Select); coding-DNA position 514, G replaced by A.
Protein change: p.Val172Ile; replaces valine 172 with isoleucine.
Molecular consequence: missense variant.
Genome position (GRCh38, 1-based): chr1:154,274,959, G>A. VCF-style: chr1-154274959-G-A. GRCh37 (hg19) VCF-style: chr1-154247435-G-A.
Other names: c.370G>A, p.Val124Ile (NM_001018837.2); short protein forms V172I, V124I.
Identifiers: ClinVar variation 68243 (VCV000068243.19), dbSNP rs141970914, ClinGen allele CA219247.

ClinVar aggregate classification (germline): Benign/Likely benign. Review status: criteria provided, multiple submitters, no conflicts (2 of 4 stars). 6 submissions from 6 submitters: Benign (1); Likely benign (4). 1 of the submissions does not count toward it. Last evaluated 2026-01-28.

Conditions:
Kostmann syndrome (SCN3). Also called: KOSTMANN DISEASE; Autosomal recessive severe congenital neutropenia type 3. Identifiers: Orphanet 99749, MedGen C5235141, MONDO:0012548, OMIM 610738.

Allele frequency attached by ClinVar (database versions not stated): gnomAD 0.00023 and 0.00016; TOPMed 0.00026; gnomAD exomes 0.00033 and 0.00010; ExAC 0.00038; 1000 Genomes Project 0.00140; 1000 Genomes Project 30x 0.00141; ESP Exome Variant Server 0.00008.
gnomAD v4.1: 184 of 1,610,744 alleles (0.011%); highest among the groups gnomAD compares: East Asian, 0.32%; 1 homozygote.

Submissions (6):

Labcorp Genetics (formerly Invitae), Labcorp
Classification: Likely benign for Kostmann syndrome. Last evaluated: 2026-01-28. Review status: criteria provided, single submitter. Criteria: Invitae Variant Classification Sherloc (09022015). Collection method: clinical testing. Allele origin: germline.

Blueprint Genetics
Classification: Likely benign. Last evaluated: 2024-10-03. Review status: criteria provided, single submitter. Criteria: ACMG Guidelines, 2015. Collection method: clinical testing. Allele origin: germline.

Illumina Laboratory Services, Illumina
Classification: Benign for Kostmann syndrome. Last evaluated: 2017-04-27. Review status: criteria provided, single submitter. Criteria: ICSL Variant Classification Criteria 13 December 2019. Collection method: clinical testing. Allele origin: germline.
Comment: This variant was observed as part of a predisposition screen in an ostensibly healthy population. A literature search was performed for the gene, cDNA change, and amino acid change (where applicable). Publications were found based on this search. The evidence from the literature, in combination with allele frequency data from public databases where available, was sufficient to rule this variant out of causing disease. Therefore, this variant is classified as benign.

Genetic Services Laboratory, University of Chicago
Classification: Likely benign. Last evaluated: 2016-10-25. Review status: criteria provided, single submitter. Criteria: ACMG Guidelines, 2015. Collection method: clinical testing. Allele origin: germline. Affected: no.

PreventionGenetics, part of Exact Sciences
Classification: Likely benign. Review status: criteria provided, single submitter. Criteria: ACMG Guidelines, 2015. Collection method: clinical testing. Allele origin: germline.

UniProtKB/Swiss-Prot
No classification provided. Review status: no classification provided. Collection method: not provided. Allele origin: not provided. Not counted in ClinVar's aggregate classification.

Literature cited by the submitters: PubMed 19118303 (cited by Illumina Laboratory Services, Illumina); PubMed 20220065 (cited by Illumina Laboratory Services, Illumina).